The following is an entry in ClinVar:

ClinVar aggregate classification (germline): Uncertain significance (1 of 4 stars; one submission).

Conditions:
Bardet-Biedl syndrome (BBS). Identifiers: Orphanet 110, MedGen C0752166, MONDO:0015229.

Allele frequency attached by ClinVar (database versions not stated): TOPMed below 0.00001.

Submission:

Labcorp Genetics (formerly Invitae), Labcorp
Classification: Uncertain significance for Bardet-Biedl syndrome. Last evaluated: 2025-10-06. Review status: criteria provided, single submitter. Criteria: Invitae Variant Classification Sherloc (09022015). Collection method: clinical testing. Allele origin: germline.
Comment: This sequence change replaces serine, which is neutral and polar, with arginine, which is basic and polar, at codon 510 of the WDPCP protein (p.Ser510Arg). This variant is not present in population databases (gnomAD no frequency). This variant has not been reported in the literature in individuals affected with WDPCP-related conditions. ClinVar contains an entry for this variant (Variation ID: 944735). Invitae Evidence Modeling of protein sequence and biophysical properties (such as structural, functional, and spatial information, amino acid conservation, physicochemical variation, residue mobility, and thermodynamic stability) indicates that this missense variant is not expected to disrupt WDPCP protein function with a negative predictive value of 80%. In summary, the available evidence is currently insufficient to determine the role of this variant in disease. Therefore, it has been classified as a Variant of Uncertain Significance.

NM_015910.7(WDPCP):c.1530C>A (p.Ser510Arg)

Gene: WDPCP (WD repeat containing planar cell polarity effector; minus strand). Cytogenetic location: 2p15.
Variant type: single nucleotide variant.
Coding change: c.1530C>A on transcript NM_015910.7 (MANE Select); coding-DNA position 1530, C replaced by A.
Protein change: p.Ser510Arg; replaces serine 510 with arginine.
Molecular consequence: missense variant. On other transcripts: non-coding transcript variant (3).
Genome position (GRCh38, 1-based): chr2:63,382,000, G>T on the plus strand (C>A on the coding strand, the complement: WDPCP is on the minus strand). VCF-style: chr2-63382000-G-T. GRCh37 (hg19) VCF-style: chr2-63609135-G-T.
Other names: c.1053C>A, p.Ser351Arg (NM_001042692.3); c.1458C>A, p.Ser486Arg (NM_001354044.2); c.1530C>A, p.Ser510Arg (NM_001354045.2); short protein forms S351R, S486R, S510R.
Identifiers: ClinVar variation 944735 (VCV000944735.9), dbSNP rs1417068972, ClinGen allele CA347063369.